The following is an entry in ClinVar:

ClinVar aggregate classification (germline): Uncertain significance (1 of 4 stars; one submission).

Allele frequency attached by ClinVar (database versions not stated): ExAC 0.00002; gnomAD 0.00003; TOPMed 0.00004.
gnomAD v4.1: 7 of 1,613,988 alleles (0.00043%); highest among the groups gnomAD compares: African/African-American, 0.0067%; no homozygotes.

Submission:

Labcorp Genetics (formerly Invitae), Labcorp
Classification: Uncertain significance. Last evaluated: 2024-12-08. Review status: criteria provided, single submitter. Criteria: Invitae Variant Classification Sherloc (09022015). Collection method: clinical testing. Allele origin: germline.
Comment: This sequence change replaces leucine, which is neutral and non-polar, with isoleucine, which is neutral and non-polar, at codon 483 of the SULF1 protein (p.Leu483Ile). This variant is present in population databases (rs759628379, gnomAD 0.02%). This variant has not been reported in the literature in individuals affected with SULF1-related conditions. ClinVar contains an entry for this variant (Variation ID: 1982321). An algorithm developed to predict the effect of missense changes on protein structure and function (PolyPhen-2) suggests that this variant is likely to be tolerated. In summary, the available evidence is currently insufficient to determine the role of this variant in disease. Therefore, it has been classified as a Variant of Uncertain Significance.

NM_001128205.2(SULF1):c.1447C>A (p.Leu483Ile)

Gene: SULF1 (sulfatase 1; plus strand). Cytogenetic location: 8q13.3.
Variant type: single nucleotide variant.
Coding change: c.1447C>A on transcript NM_001128205.2 (MANE Select); coding-DNA position 1447, C replaced by A.
Protein change: p.Leu483Ile; replaces leucine 483 with isoleucine.
Molecular consequence: missense variant. On other transcripts: non-coding transcript variant (3).
Genome position (GRCh38, 1-based): chr8:69,621,104, C>A. VCF-style: chr8-69621104-C-A. GRCh37 (hg19) VCF-style: chr8-70533339-C-A.
Other names: c.1447C>A, p.Leu483Ile (NM_001128204.2, NM_001128206.2, NM_001412828.1 and 10 more transcripts); c.1318C>A, p.Leu440Ile (NM_001412832.1, NM_001412838.1, NM_001412839.1 and 1 more transcripts); c.1390C>A, p.Leu464Ile (NM_001412836.1, NM_001412837.1); c.1261C>A, p.Leu421Ile (NM_001412841.1, NM_001412842.1); c.847C>A, p.Leu283Ile (NM_001412844.1, NM_001412845.1); c.-345C>A (NM_001412846.1); short protein forms L483I, L283I, L421I, L440I, L464I.
Identifiers: ClinVar variation 1982321 (VCV001982321.4), dbSNP rs759628379, ClinGen allele CA4775887.